The following is an entry in ClinVar:

NM_000320.3(QDPR):c.436+1G>C

Gene: QDPR (quinoid dihydropteridine reductase; minus strand). Cytogenetic location: 4p15.32.
Variant type: single nucleotide variant.
Coding change: c.436+1G>C on transcript NM_000320.3 (MANE Select); the canonical splice donor site of the intron after coding-DNA position 436, G replaced by C.
Molecular consequence: splice donor variant.
Genome position (GRCh38, 1-based): chr4:17,501,718, C>G on the plus strand (G>C on the coding strand, the complement: QDPR is on the minus strand). VCF-style: chr4-17501718-C-G. GRCh37 (hg19) VCF-style: chr4-17503341-C-G.
Other names: c.343+1G>C (NM_001306140.2).
Identifiers: ClinVar variation 4293433 (VCV004293433.1).
Genomic context (GRCh38, chr4:17,501,718, plus strand): 5'-CAGCAGCCCCAGCAAGCAAGGTAAGCAACCCCACTCCACAGATAGGGAAATAAAGGCTTA[C>G]CAGGAGTCCCATCCAGGGCAGCCTTTGCGCCAGCCAAGGTCAGGAGGCCTCCTTCCTTGA-3'

ClinVar aggregate classification (germline): Pathogenic (1 of 4 stars; one submission).

Conditions:
Dihydropteridine reductase deficiency (HPABH4C). Also called: BH4-Deficient Hyperphenylalaninemia C; HYPERPHENYLALANINEMIA, TETRAHYDROBIOPTERIN-DEFICIENT, DUE TO DHPR DEFICIENCY; QDPR DEFICIENCY; QUINOID DIHYDROPTERIDINE REDUCTASE DEFICIENCY; Phenylketonuria II; Hyperphenylalaninemia due to dihydropteridine reductase deficiency. Identifiers: Orphanet 226, Orphanet 238583, MedGen C0268465, MONDO:0009862, OMIM 261630.

Submission:

3billion
Classification: Pathogenic for Dihydropteridine reductase deficiency. Last evaluated: 2024-09-12. Review status: criteria provided, single submitter. Criteria: ACMG Guidelines, 2015. Collection method: clinical testing. Allele origin: germline. Affected: yes.
Comment: The variant is not observed in the gnomAD v4.0.0 dataset. Predicted Consequence/Location: Canonical splice site: predicted to alter splicing and result in a loss or disruption of normal protein function. Multiple pathogenic loss-of-function variants are reported downstream of the variant. The variant has been reported to be associated with QDPR related disorder (PMID: 7627180). Therefore, this variant is classified as Pathogenic according to the recommendation of ACMG/AMP guideline.

Literature cited by the submitters: PubMed 7627180.